The following is an entry in ClinVar:

ClinVar aggregate classification (germline): Uncertain significance (0 of 4 stars; one submission).

Conditions:
NFKB2-related disorder. Also called: NFKB2-related condition.

Submission:

PreventionGenetics, part of Exact Sciences
Classification: Uncertain significance for NFKB2-related condition. Last evaluated: 2023-12-27. Review status: no assertion criteria provided. Collection method: clinical testing. Allele origin: germline.
Comment: The NFKB2 c.1187G>T variant is predicted to result in the amino acid substitution p.Gly396Val. To our knowledge, this variant has not been reported in the literature or in a large population database, indicating this variant is rare. At this time, the clinical significance of this variant is uncertain due to the absence of conclusive functional and genetic evidence.

NM_001322934.2(NFKB2):c.1187G>T (p.Gly396Val)

Genes: NFKB2 (nuclear factor kappa B subunit 2; plus strand), LOC130004599 (ATAC-STARR-seq lymphoblastoid silent region 2756; plus strand). Cytogenetic location: 10q24.32.
Variant type: single nucleotide variant.
Coding change: c.1187G>T on transcript NM_001322934.2 (MANE Select); coding-DNA position 1187, G replaced by T.
Protein change: p.Gly396Val; replaces glycine 396 with valine.
Molecular consequence: missense variant.
Genome position (GRCh38, 1-based): chr10:102,399,357, G>T. VCF-style: chr10-102399357-G-T. GRCh37 (hg19) VCF-style: chr10-104159114-G-T.
Other names: c.1187G>T, p.Gly396Val (NM_001077493.1, NM_001077494.3, NM_001261403.3 and 2 more transcripts); c.1061G>T, p.Gly354Val (NM_001322935.1); short protein forms G354V, G396V.
Identifiers: ClinVar variation 3030923 (VCV003030923.2), dbSNP rs1261562267, ClinGen allele CA377898817.
Genomic context (GRCh38, chr10:102,399,357, plus strand): 5'-TCGGTTTCTTCCCCTCCTCCCTGGCCTACAGCCCCTACCAGTCCGGCGCGGGCCCCATGG[G>T]CTGCTACCCGGGAGGCGGGGGCGGGGCGCAGATGGCCGCCACGGTGCCCAGCAGGGACTC-3'
Protein context (NP_001309863.1, residues 386-406): SPYQSGAGPM[Gly396Val]CYPGGGGGAQ